The following is an entry in ClinVar:

NM_007194.4(CHEK2):c.592+81del

Gene: CHEK2 (checkpoint kinase 2; minus strand). Cytogenetic location: 22q12.1.
Variant type: Deletion.
Coding change: c.592+81del on transcript NM_007194.4 (MANE Select); 81 bases into the intron after coding-DNA position 592, one base deleted (A; older notation c.592+81delA).
Molecular consequence: intron variant. On other transcripts: frameshift variant (1).
Genome position (GRCh38, 1-based): chr22:28,724,896, T deleted on the plus strand (A on the coding strand, the reverse complement: CHEK2 is on the minus strand); the first of 2 consecutive T bases (chr22:28,724,896-28,724,897); deleting either gives the same sequence. VCF-style (leftmost placement, unchanged base first): chr22-28724895-AT-A. GRCh37 (hg19) VCF-style: chr22-29120883-AT-A.
Other names: c.472del, p.Ile158fs (NM_001349956.3); c.-72+81del (NM_001437942.1); c.592+81del (NM_145862.3); c.-186+81del (NM_001257387.3); c.685+81del (NM_001438295.1, NM_001438293.1); c.721+81del (NM_001438294.1, NM_001005735.3); short protein forms I158fs.
Identifiers: ClinVar variation 1329036 (VCV001329036.12), dbSNP rs746878232, ClinGen allele CA10167962.
Genomic context (GRCh38, chr22:28,724,895, plus strand): 5'-GGATTACAGGTGTGAGCCACCACGCCCAGCAACTTACTCATCTTTACTCACTTAAACCAT[AT>A]TCTGTAAGGACAGGACAAATTTTCCTCCTATGAGAGAGTGGAAAAAAAAAATTCCAGTAA-3'

ClinVar aggregate classification (germline): Benign/Likely benign. Review status: criteria provided, multiple submitters, no conflicts (2 of 4 stars). 3 submissions from 3 submitters: Benign (1); Likely benign (2). Last evaluated 2025-11-01.

Conditions:
Familial cancer of breast. Also called: hereditary breast carcinoma; BREAST CANCER, FAMILIAL; Hereditary breast cancer. Identifiers: Orphanet 227535, MedGen C0346153, MONDO:0016419, OMIM 114480. Disease mechanism: loss of function.

Submissions (3):

CeGaT Center for Human Genetics Tuebingen
Classification: Likely benign. Last evaluated: 2025-11-01. Review status: criteria provided, single submitter. Criteria: CeGaT Center For Human Genetics Tuebingen Variant Classification Criteria Version 2. Collection method: clinical testing. Allele origin: germline. Affected: yes. Observed: 1 variant allele.
Comment: CHEK2: BS1

Labcorp Genetics (formerly Invitae), Labcorp
Classification: Benign for Familial cancer of breast. Last evaluated: 2022-10-31. Review status: criteria provided, single submitter. Criteria: Invitae Variant Classification Sherloc (09022015). Collection method: clinical testing. Allele origin: germline.

Women's Health and Genetics/Laboratory Corporation of America, LabCorp
Classification: Likely benign. Last evaluated: 2021-11-23. Review status: criteria provided, single submitter. Criteria: LabCorp Variant Classification Summary - May 2015. Collection method: clinical testing. Allele origin: germline.
Comment: Variant summary: CHEK2 c.592+81delA (NM_007194.3) is located at a position not widely known to affect splicing. 4/4 computational tools predict no significant impact on normal splicing. However, these predictions have yet to be confirmed by functional studies. The variant allele was found at a frequency of 5.3e-05 in 243568 control chromosomes, predominantly at a frequency of 0.00072 within the East Asian subpopulation in the gnomAD database. The observed variant frequency within East Asian control individuals in the gnomAD database is approximately 2-fold of the estimated maximal expected allele frequency for a pathogenic variant in CHEK2 causing Hereditary Breast And Ovarian Cancer Syndrome phenotype (0.00031), strongly suggesting that the variant is a benign polymo rphism found primarily in populations of East Asian origin. Furthermore, in a Japanese-specific database, the variant allele was found at a frequency of 0.0036 in 8.3K individuals (jMorp). NM_007194.4 is the 'MANE SELECT' transcript for CHEK2 gene (i.e. "One high-quality representative transcript per protein-coding gene that is well-supported by experimental data and represents the biology of the gene"). This variant results in a frameshift and a premature stop codon (c.472delA, p.Ile158TyrfsX10) in a different transcript (NM_001349956.2). In GTExPortal, this transcript is not expressed or very minimally expressed in various human tissue sites studied. p.Ile158TyrfsX10 has been reported in the literature in two Taiwanese individuals with colorectal polyps (Chang_2020). This report does not provide unequivocal conclusions about association of the variant with Hereditary Breast And Ovarian Cancer Syndrome. To our knowledge, no experimental evidence demonstrating an impact on protein function has been reported. No clinical diagnostic laboratories have submitted clinical-significance assessments for this variant to ClinVar after 2014. Based on the evidence outlined above, the variant was classified as likely benign.

Literature cited by the submitters: PubMed 33260537 (cited by Women's Health and Genetics/Laboratory Corporation of America, LabCorp).